The following is an entry in ClinVar:

ClinVar aggregate classification (germline): Uncertain significance (1 of 4 stars; one submission).

Allele frequency attached by ClinVar (database versions not stated): gnomAD exomes below 0.00001 and 0.00001; gnomAD 0.00001.
gnomAD v4.1: 8 of 1,613,902 alleles (0.0005%); highest among the groups gnomAD compares: Admixed American, 0.0017%; no homozygotes.

Submission:

GeneDx
Classification: Uncertain significance. Last evaluated: 2018-05-14. Review status: criteria provided, single submitter. Criteria: GeneDx Variant Classification (06012015). Collection method: clinical testing. Allele origin: germline. Affected: yes.
Comment: The c.1572+5G>A variant in the POLR3A gene has not been reported previously as a pathogenic variant nor as a benign variant, to our knowledge. This variant reduces the quality of the splice donor site in intron 11, and is expected to cause abnormal gene splicing. The c.1572+5G>A variant is not observed at a significant frequency in large population cohorts (Lek et al., 2016). We interpret c.1572+5G>A as a variant of uncertain significance.

NM_007055.4(POLR3A):c.1572+5G>A

Gene: POLR3A (RNA polymerase III subunit A; minus strand). Cytogenetic location: 10q22.3.
Variant type: single nucleotide variant.
Coding change: c.1572+5G>A on transcript NM_007055.4 (MANE Select); 5 bases into the intron after coding-DNA position 1572, G replaced by A.
Molecular consequence: intron variant.
Genome position (GRCh38, 1-based): chr10:78,013,645, C>T on the plus strand (G>A on the coding strand, the complement: POLR3A is on the minus strand). VCF-style: chr10-78013645-C-T. GRCh37 (hg19) VCF-style: chr10-79773403-C-T.
Identifiers: ClinVar variation 546258 (VCV000546258.2), dbSNP rs1440024141, ClinGen allele CA594436081.
Genomic context (GRCh38, chr10:78,013,645, plus strand): 5'-TAAGTTTCCTTTGCCTCCTTTCAAGGAGCTGTTATGCAAAAGCTGGGCTGTGCCACCCTA[C>T]ATACCCCCATCAGAACAAGGGCCTCTGCTTTAGCTTCTTCTGTTTGAGGAAGATGAAGGT-3'